The following is an entry in ClinVar:

NM_016955.4(SEPSECS):c.1A>G (p.Met1Val)

Gene: SEPSECS (Sep (O-phosphoserine) tRNA:Sec (selenocysteine) tRNA synthase; minus strand). Cytogenetic location: 4p15.2.
Variant type: single nucleotide variant.
Coding change: c.1A>G on transcript NM_016955.4 (MANE Select); coding-DNA position 1, A replaced by G.
Protein change: p.Met1Val; changes the start codon (methionine 1).
Molecular consequence: missense variant, initiator codon variant.
Genome position (GRCh38, 1-based): chr4:25,160,369, T>C on the plus strand (A>G on the coding strand, the complement: SEPSECS is on the minus strand). VCF-style: chr4-25160369-T-C. GRCh37 (hg19) VCF-style: chr4-25161991-T-C.
Other names: short protein forms M1V.
Identifiers: ClinVar variation 1223757 (VCV001223757.14), dbSNP rs1025711998, ClinGen allele CA93589122.

ClinVar aggregate classification (germline): Pathogenic/Likely pathogenic. Review status: criteria provided, multiple submitters, no conflicts (2 of 4 stars). 6 submissions from 6 submitters: Pathogenic (2); Likely pathogenic (3). 1 of the submissions does not count toward it. Last evaluated 2026-01-26.

Conditions:
Pontocerebellar hypoplasia type 2D (PCH2D). Also called: Progressive cerebello-cerebral atrophy. Identifiers: Orphanet 247198, Orphanet 2524, MedGen C3151140, MONDO:0013438, OMIM 613811.

Allele frequency attached by ClinVar (database versions not stated): gnomAD exomes 0.00003; gnomAD 0.00005 and 0.00006; TOPMed 0.00005.

Submissions (6):

Labcorp Genetics (formerly Invitae), Labcorp
Classification: Pathogenic. Last evaluated: 2026-01-26. Review status: criteria provided, single submitter. Criteria: Invitae Variant Classification Sherloc (09022015). Collection method: clinical testing. Allele origin: germline.
Comment: This sequence change affects the initiator codon of the SEPSECS mRNA. This change may impact translation initiation or efficiency. The next in-frame methionine is located at codon 61. This variant is present in population databases (no rsID available, gnomAD 0.01%). Disruption of the initiator codon has been observed in individual(s) with clinical features of pontocerebellar hypoplasia (PMID: 25590979, 35091508). In at least one individual the data is consistent with being in trans (on the opposite chromosome) from a pathogenic variant. It has also been observed to segregate with disease in related individuals. ClinVar contains an entry for this variant (Variation ID: 1223757). For these reasons, this variant has been classified as Pathogenic.

Natera, Inc.
Classification: Likely pathogenic for Pontocerebellar hypoplasia type 2d. Last evaluated: 2025-06-25. Review status: criteria provided, single submitter. Criteria: Natera Variant Classification Schema (03/2026). Collection method: clinical testing. Allele origin: germline.
Comment: The c.1A>G variant in SEPSECS is predicted to result in start loss due to disruption of the initiator methionine. This variant is expected to result in nonsense mediated decay, truncation, or a dysfunctional protein product. This variant is rare in the general population with a frequency below the threshold expected for the associated phenotype(s). Given the available evidence, this variant is classified as Likely Pathogenic.

GeneDx
Classification: Pathogenic. Last evaluated: 2024-06-21. Review status: criteria provided, single submitter. Criteria: GeneDx Variant Classification Process June 2021. Collection method: clinical testing. Allele origin: germline. Affected: yes.
Comment: Initiation codon variant in a gene for which loss-of-function is a known mechanism of disease; Not observed at a significant frequency in large population cohorts (gnomAD); This variant is associated with the following publications: (PMID: 26888482, 29709707, 25590979)

Fulgent Genetics
Classification: Likely pathogenic for Pontocerebellar hypoplasia type 2D. Last evaluated: 2024-01-30. Review status: criteria provided, single submitter. Criteria: ACMG Guidelines, 2015. Collection method: clinical testing. Allele origin: germline.

Duke University Health System Sequencing Clinic, Duke University Health System
Classification: Likely pathogenic for Pontocerebellar hypoplasia type 2D. Last evaluated: 2023-04-20. Review status: criteria provided, single submitter. Criteria: ACMG Guidelines, 2015. Collection method: research. Allele origin: maternal. Affected: yes.

Department of Pathology and Laboratory Medicine, Sinai Health System
Classification: Uncertain significance for Pontocerebellar hypoplasia type 2D. Last evaluated: 2021-08-04. Review status: flagged submission. Criteria: ACMG Guidelines, 2015. Collection method: research. Allele origin: germline. Not counted in ClinVar's aggregate classification.
ClinVar note: Reason: Outlier claim with insufficient supporting evidence

Literature cited by the submitters: PubMed 25590979 (cited by Labcorp Genetics (formerly Invitae), Labcorp and Duke University Health System Sequencing Clinic, Duke University Health System); PubMed 35091508 (cited by Labcorp Genetics (formerly Invitae), Labcorp).